The following is an entry in ClinVar:

NM_015909.4(NBAS):c.335+4A>G

Gene: NBAS (NBAS subunit of NRZ tethering complex; minus strand). Cytogenetic location: 2p24.3.
Variant type: single nucleotide variant.
Coding change: c.335+4A>G on transcript NM_015909.4 (MANE Select); 4 bases into the intron after coding-DNA position 335, A replaced by G.
Molecular consequence: intron variant.
Genome position (GRCh38, 1-based): chr2:15,553,422, T>C on the plus strand (A>G on the coding strand, the complement: NBAS is on the minus strand). VCF-style: chr2-15553422-T-C. GRCh37 (hg19) VCF-style: chr2-15693546-T-C.
Identifiers: ClinVar variation 1373473 (VCV001373473.7), dbSNP rs1352462112, ClinGen allele CA531028431.
Genomic context (GRCh38, chr2:15,553,422, plus strand): 5'-CCATTTATAGAGTAACAAATATTTCTCAAAGGAAATCTTGAATATGAATAATATTAACAA[T>C]TACCTGATTTCCACACACTGATCTTGAACAGCAGCCAAAAGCTTTCCATTGCTTTTATGG-3'

ClinVar aggregate classification (germline): Uncertain significance. Review status: criteria provided, multiple submitters, no conflicts (2 of 4 stars). 2 submissions from 2 submitters: Uncertain significance (2). Last evaluated 2024-02-17.

Allele frequency attached by ClinVar (database versions not stated): gnomAD exomes below 0.00001; TOPMed below 0.00001; gnomAD 0.00001.
gnomAD v4.1: 6 of 1,603,436 alleles (0.00037%); highest among the groups gnomAD compares: South Asian, 0.0011%; no homozygotes.

Submissions (2):

Labcorp Genetics (formerly Invitae), Labcorp
Classification: Uncertain significance. Last evaluated: 2024-02-17. Review status: criteria provided, single submitter. Criteria: Invitae Variant Classification Sherloc (09022015). Collection method: clinical testing. Allele origin: germline.
Comment: This sequence change falls in intron 5 of the NBAS gene. It does not directly change the encoded amino acid sequence of the NBAS protein. It affects a nucleotide within the consensus splice site. This variant is present in population databases (no rsID available, gnomAD 0.0009%). This variant has not been reported in the literature in individuals affected with NBAS-related conditions. ClinVar contains an entry for this variant (Variation ID: 1373473). Variants that disrupt the consensus splice site are a relatively common cause of aberrant splicing (PMID: 17576681, 9536098). Algorithms developed to predict the effect of sequence changes on RNA splicing suggest that this variant may disrupt the consensus splice site. In summary, the available evidence is currently insufficient to determine the role of this variant in disease. Therefore, it has been classified as a Variant of Uncertain Significance.

Women's Health and Genetics/Laboratory Corporation of America, LabCorp
Classification: Uncertain significance. Last evaluated: 2023-12-07. Review status: criteria provided, single submitter. Criteria: LabCorp Variant Classification Summary - May 2015. Collection method: clinical testing. Allele origin: germline.

Literature cited by the submitters: PubMed 17576681 (cited by Labcorp Genetics (formerly Invitae), Labcorp); PubMed 9536098 (cited by Labcorp Genetics (formerly Invitae), Labcorp).